The following is an entry in ClinVar:

NM_000535.7(PMS2):c.1108C>A (p.Leu370Ile)

Gene: PMS2 (PMS1 homolog 2, mismatch repair system component; minus strand). Cytogenetic location: 7p22.1.
Variant type: single nucleotide variant.
Coding change: c.1108C>A on transcript NM_000535.7 (MANE Select); coding-DNA position 1108, C replaced by A.
Protein change: p.Leu370Ile; replaces leucine 370 with isoleucine.
Molecular consequence: missense variant. On other transcripts: non-coding transcript variant (1), intron variant (2).
Genome position (GRCh38, 1-based): chr7:5,989,836, G>T on the plus strand (C>A on the coding strand, the complement: PMS2 is on the minus strand). VCF-style: chr7-5989836-G-T. GRCh37 (hg19) VCF-style: chr7-6029467-G-T.
Other names: c.790C>A, p.Leu264Ile (NM_001322008.2, NM_001322007.2, NM_001406876.1 and 2 more transcripts); c.175C>A, p.Leu59Ile (NM_001322012.2, NM_001322011.2); c.703C>A, p.Leu235Ile (NM_001322009.2, NM_001018040.1, NM_001322003.2 and 17 more transcripts); c.535C>A, p.Leu179Ile (NM_001322013.2, NM_001406909.1); c.1108C>A, p.Leu370Ile (NM_001322014.2, NM_001406871.1, NM_001406872.1); c.799C>A, p.Leu267Ile (NM_001322015.2, NM_001406875.1, NM_001406877.1 and 5 more transcripts); c.1294C>A, p.Leu432Ile (NM_001406866.1); c.1132C>A, p.Leu378Ile (NM_001406868.1); and 9 more; short protein forms L113I, L199I, L378I, L59I, L179I, L235I, L258I, L267I.
Identifiers: ClinVar variation 1794228 (VCV001794228.2), dbSNP rs1278184308, ClinGen allele CA366742790.
Genomic context (GRCh38, chr7:5,989,836, plus strand): 5'-GTTTGTACACTGTATTTTTCTTACCTTCAACATCCAGCAGTGGCTGCTGACTGACATTTA[G>T]CTTGTTGACATCACTATCAAACATTCCTATCAAAGAGGTCTTTAAAACTGCCAACAAAAG-3'
Protein context (NP_000526.2, residues 360-380): IGMFDSDVNK[Leu370Ile]NVSQQPLLDV

ClinVar aggregate classification (germline): Uncertain significance (1 of 4 stars; one submission).

Conditions:
Hereditary cancer-predisposing syndrome. Also called: Tumor predisposition; Hereditary Cancer Syndrome; Neoplastic Syndromes, Hereditary; Hereditary neoplastic syndrome. Identifiers: Orphanet 140162, MedGen C0027672, MeSH D009386, MONDO:0015356.

Submission:

Ambry Genetics
Classification: Uncertain significance for Hereditary cancer-predisposing syndrome. Last evaluated: 2021-01-22. Review status: criteria provided, single submitter. Criteria: Ambry Variant Classification Scheme 2023. Collection method: clinical testing. Allele origin: germline.
Comment: The p.L370I variant (also known as c.1108C>A), located in coding exon 10 of the PMS2 gene, results from a C to A substitution at nucleotide position 1108. The leucine at codon 370 is replaced by isoleucine, an amino acid with highly similar properties. This amino acid position is well conserved in available vertebrate species. In addition, the in silico prediction for this alteration is inconclusive. Since supporting evidence is limited at this time, the clinical significance of this alteration remains unclear.